The following is an entry in ClinVar:

ClinVar aggregate classification (germline): Uncertain significance (1 of 4 stars; one submission).

Conditions:
Inborn genetic diseases. Identifiers: MedGen C0950123, MeSH D030342.

Allele frequency attached by ClinVar (database versions not stated): gnomAD 0.00001; TOPMed 0.00001.
gnomAD v4.1: 2 of 1,611,932 alleles (0.00012%); highest among the groups gnomAD compares: Non-Finnish European, 0.00017%; no homozygotes.

Submission:

Ambry Genetics
Classification: Uncertain significance for Inborn genetic diseases. Last evaluated: 2023-03-09. Review status: criteria provided, single submitter. Criteria: Ambry Variant Classification Scheme 2023. Collection method: clinical testing. Allele origin: germline.
Comment: The p.V212A variant (also known as c.635T>C), located in coding exon 6 of the RAD51 gene, results from a T to C substitution at nucleotide position 635. The valine at codon 212 is replaced by alanine, an amino acid with similar properties. This amino acid position is conserved. In addition, this alteration is predicted to be tolerated by in silico analysis. Since supporting evidence is limited at this time, the clinical significance of this alteration remains unclear.

NM_002875.5(RAD51):c.635T>C (p.Val212Ala)

Gene: RAD51 (RAD51 recombinase; plus strand). Cytogenetic location: 15q15.1.
Variant type: single nucleotide variant.
Coding change: c.635T>C on transcript NM_002875.5 (MANE Select); coding-DNA position 635, T replaced by C.
Protein change: p.Val212Ala; replaces valine 212 with alanine.
Molecular consequence: missense variant.
Genome position (GRCh38, 1-based): chr15:40,728,815, T>C. VCF-style: chr15-40728815-T-C. GRCh37 (hg19) VCF-style: chr15-41021013-T-C.
Other names: c.638T>C, p.Val213Ala (NM_001164269.2, NM_133487.4); c.635T>C, p.Val212Ala (NM_001164270.2); short protein forms V212A, V213A.
Identifiers: ClinVar variation 3222864 (VCV003222864.1), dbSNP rs1223584622, ClinGen allele CA391757514.